The following is an entry in ClinVar:

NM_001033855.3(DCLRE1C):c.353G>T (p.Gly118Val)

Gene: DCLRE1C (DNA cross-link repair 1C; minus strand). Cytogenetic location: 10p13.
Variant type: single nucleotide variant.
Coding change: c.353G>T on transcript NM_001033855.3 (MANE Select); coding-DNA position 353, G replaced by T.
Protein change: p.Gly118Val; replaces glycine 118 with valine.
Molecular consequence: missense variant. On other transcripts: 5 prime UTR variant (5), non-coding transcript variant (3), intron variant (4).
Genome position (GRCh38, 1-based): chr10:14,936,547, C>A on the plus strand (G>T on the coding strand, the complement: DCLRE1C is on the minus strand). VCF-style: chr10-14936547-C-A. GRCh37 (hg19) VCF-style: chr10-14978546-C-A.
Other names: NM_001033855.3(DCLRE1C):c.353G>T; p.Gly118Val; c.-8G>T (NM_001033857.3, NM_001033858.3, NM_001289077.2 and 2 more transcripts); c.353G>T, p.Gly118Val (NM_001350965.2); c.18-983G>T (NM_001350966.2, NM_001289078.2, NM_001289076.2 and 1 more transcripts); c.353G>T (NM_001033855.2); short protein forms G118V.
Identifiers: ClinVar variation 3251745 (VCV003251745.5), dbSNP rs1839956628.

ClinVar aggregate classification (germline): Likely pathogenic. Review status: reviewed by expert panel (3 of 4 stars). 5 submissions from 5 submitters: Likely pathogenic (1). 4 of the submissions do not count toward it. Last evaluated 2026-10-05.

Conditions:
Severe combined immunodeficiency due to DCLRE1C deficiency (RS-SCID). Also called: SCID, AUTOSOMAL RECESSIVE, T CELL-NEGATIVE, B CELL-NEGATIVE, NK CELL-POSITIVE, WITH SENSITIVITY TO IONIZING RADIATION. Identifiers: Orphanet 275, MedGen C1865371, MONDO:0011225, OMIM 602450.
Histiocytic medullary reticulosis. Also called: SEVERE COMBINED IMMUNODEFICIENCY WITH HYPEREOSINOPHILIA; Omenn syndrome. Identifiers: Orphanet 39041, MedGen C2700553, MONDO:0011338, OMIM 603554.
Severe combined immunodeficiency disease. Also called: Severe combined immunodeficiency; Severe Combined Immune Deficiency. Identifiers: Orphanet 183660, MedGen C0085110, MeSH D016511, MONDO:0015974, HP:0004430. Inheritance: X-Linked or Autosomal recessive.
Athabaskan severe combined immunodeficiency (SCIDA). Also called: Severe combined immunodeficiency, athabascan-type. Identifiers: MedGen C1865370.

Allele frequency attached by ClinVar (database versions not stated): gnomAD exomes below 0.00001.
gnomAD v4.1: 1 of 1,612,726 alleles (0.000062%); highest among the groups gnomAD compares: African/African-American, 0.0013%; no homozygotes.

Submissions (5):

ClinGen Severe Combined Immunodeficiency Variant Curation Expert Panel, ClinGen
Classification: Likely pathogenic for Severe combined immunodeficiency due to DCLRE1C deficiency. Last evaluated: 2026-10-05. Review status: reviewed by expert panel. Criteria: ClinGen SCID ACMG Specifications DCLRE1C V2.2. Collection method: curation. Allele origin: germline. Inheritance: Autosomal recessive inheritance.
Comment: NM_001033855.3(DCLRE1C):c.353G>T is a missense variant predicted to result in the substitution of glycine with valine at amino acid 118 (p.Gly118Val) in exon 5, within the metallo-β-lactamase domain of the ARTEMIS protein. This variant is present in gnomAD v4.1.1 as a single allele (allele frequency 0.0000006201; 1/1,612,726 alleles); the Grpmax filtering allele frequency could not be calculated for a single observed allele, and the overall frequency is lower than the ClinGen SCID VCEP threshold (<0.00003266) for PM2_Supporting for DCLRE1C, therefore meets this criterion (PM2_Supporting), with no homozygotes observed. This variant has been observed in the homozygous state in two unrelated individuals with severe combined immunodeficiency. Total: 1.0 point, meeting PM3. One patient (PMID: 12406895) presented with a T-B-NK+ lymphocyte profile, increased fibroblast radiosensitivity, and decreased V(D)J recombination that was corrected by vector-based complementation with wild-type Artemis. Total: 7.0 points, meeting PP4_Strong. In an approved cellular model, the variant showed 0.00% of wild-type activity in both an in vitro V(D)J recombination assay and an in vitro DNA repair activity assay, below the ClinGen SCID VCEP threshold of <25% (PMID: 25917813), meeting PS3_Moderate. In summary, this variant meets the criteria to be classified as Likely Pathogenic for autosomal recessive severe combined immunodeficiency due to DCLRE1C deficiency based on the ACMG/AMP criteria applied, as specified by the ClinGen SCID VCEP: PM2_Supporting, PM3, PP4_Strong, PS3_Moderate (VCEP specifications version 2.2).

Labcorp Genetics (formerly Invitae), Labcorp
Classification: Likely pathogenic for Athabaskan severe combined immunodeficiency. Last evaluated: 2025-08-15. Review status: criteria provided, single submitter. Criteria: Invitae Variant Classification Sherloc (09022015). Collection method: clinical testing. Allele origin: germline. Not counted in ClinVar's aggregate classification.
Comment: This sequence change replaces glycine, which is neutral and non-polar, with valine, which is neutral and non-polar, at codon 118 of the DCLRE1C protein (p.Gly118Val). This variant is not present in population databases (gnomAD no frequency). This missense change has been observed in individuals with severe combined immunodeficiency due to DCLRE1C (Artemis) deficiency (PMID: 12406895, 19953608). This variant is also known as Gly111Val. ClinVar contains an entry for this variant (Variation ID: 3251745). Invitae Evidence Modeling of protein sequence and biophysical properties (such as structural, functional, and spatial information, amino acid conservation, physicochemical variation, residue mobility, and thermodynamic stability) has been performed for this missense variant. However, the output from this modeling did not meet the statistical confidence thresholds required to predict the impact of this variant on DCLRE1C protein function. Experimental studies have shown that this missense change affects DCLRE1C function (PMID: 25917813). Algorithms developed to predict the effect of sequence changes on RNA splicing suggest that this variant may disrupt the consensus splice site. In summary, the currently available evidence indicates that the variant is pathogenic, but additional data are needed to prove that conclusively. Therefore, this variant has been classified as Likely Pathogenic.

Natera, Inc.
Classification: Likely pathogenic for Athabascan severe combined immunodeficiency. Last evaluated: 2024-10-31. Review status: criteria provided, single submitter. Criteria: Natera Variant Classification Schema (03/2026). Collection method: clinical testing. Allele origin: germline. Not counted in ClinVar's aggregate classification.
Comment: The c.353G>T variant in DCLRE1C is a missense variant predicted to cause substitution of glycine to valine at amino acid 118. This variant is rare in the general population with a frequency below the threshold expected for the associated phenotype(s). This variant has been observed in one or more individuals affected with the associated recessive disease, as either homozygous or compound heterozygous with a second variant (PMID: 12406895, 19953608). Functional studies show that this variant may disrupt protein function (PMID: 25917813). Computational prediction algorithms indicate this variant is likely to affect gene or protein function. Given the available evidence, this variant is classified as Likely Pathogenic.

Fulgent Genetics
Classification: Likely pathogenic for Severe combined immunodeficiency due to DCLRE1C deficiency; Histiocytic medullary reticulosis. Last evaluated: 2024-04-27. Review status: criteria provided, single submitter. Criteria: ACMG Guidelines, 2015. Collection method: clinical testing. Allele origin: germline. Not counted in ClinVar's aggregate classification.

Women's Health and Genetics/Laboratory Corporation of America, LabCorp
Classification: Pathogenic for Severe combined immunodeficiency disease. Last evaluated: 2024-04-24. Review status: criteria provided, single submitter. Criteria: LabCorp Variant Classification Summary - May 2015. Collection method: clinical testing. Allele origin: germline. Not counted in ClinVar's aggregate classification.
Comment: Variant summary: DCLRE1C c.353G>T (p.Gly118Val) results in a non-conservative amino acid change in the encoded protein sequence. Five of five in-silico tools predict a damaging effect of the variant on protein function. The variant was absent in 251130 control chromosomes. c.353G>T has been reported in the literature in individuals affected with Severe Combined Immunodeficiency (Noordzij_2003, Pannicke_2010). These data indicate that the variant is likely to be associated with disease. At least one publication reports experimental evidence evaluating an impact on protein function, finding that the variant results in a complete loss of recombination and DNA repair activity (Felgentreff_2015). The following publications have been ascertained in the context of this evaluation (PMID: 12406895, 19953608, 25917813). No submitters have cited clinical-significance assessments for this variant to ClinVar. Based on the evidence outlined above, the variant was classified as pathogenic.

Literature cited by the submitters: PubMed 12406895 (cited by 3 submitters); PubMed 19953608 (cited by 3 submitters); PubMed 25917813 (cited by 3 submitters).